The following is an entry in ClinVar:

NM_018006.5(TRMU):c.1218C>T (p.Ser406=)

Gene: TRMU (tRNA mitochondrial 2-thiouridylase; plus strand). Cytogenetic location: 22q13.31.
Variant type: single nucleotide variant.
Coding change: c.1218C>T on transcript NM_018006.5 (MANE Select); coding-DNA position 1218, C replaced by T.
Protein change: p.Ser406=; no amino-acid change (serine 406 retained).
Molecular consequence: synonymous variant. On other transcripts: 3 prime UTR variant (2), non-coding transcript variant (2).
Genome position (GRCh38, 1-based): chr22:46,356,958, C>T. VCF-style: chr22-46356958-C-T. GRCh37 (hg19) VCF-style: chr22-46752855-C-T.
Other names: c.876C>T, p.Ser292= (NM_001282782.2); c.798C>T, p.Ser266= (NM_001282783.2); c.*4C>T (NM_001282784.2, NM_001282785.2).
Identifiers: ClinVar variation 342019 (VCV000342019.25), dbSNP rs754239335, ClinGen allele CA10292476.
Genomic context (GRCh38, chr22:46,356,958, plus strand): 5'-GGGGCCGTCTGCCTACACGCTCCAGAAGGGCCAGCGCAGAGCTGGGATGGCCACTGAGAG[C>T]CCCAGTGACAGCCCAGAAGATGGTCCAGGCCTGAGTCCCTTGCTCTGACAGAGATGGATC-3'
Protein context (NP_060476.2, residues 396-416): GQRRAGMATE[Ser406=]PSDSPEDGPG

ClinVar aggregate classification (germline): Conflicting classifications of pathogenicity. Review status: criteria provided, conflicting classifications (1 of 4 stars). 7 submissions from 7 submitters: Uncertain significance (2); Likely benign (4). 1 of the submissions does not count toward it. Last evaluated 2026-09-01.

Conditions:
Acute infantile liver failure due to synthesis defect of mtDNA-encoded proteins. Also called: LIVER FAILURE, INFANTILE, TRANSIENT; TRMU Deficiency; Liver failure acute infantile. Identifiers: Orphanet 217371, MedGen C3278664, MONDO:0013111, OMIM 613070.

Allele frequency attached by ClinVar (database versions not stated): gnomAD 0.00004; gnomAD exomes 0.00006; ExAC 0.00007; TOPMed 0.00008.
gnomAD v4.1: 98 of 1,613,456 alleles (0.0061%); highest among the groups gnomAD compares: Middle Eastern, 0.033%; no homozygotes.

Submissions (7):

CeGaT Center for Human Genetics Tuebingen
Classification: Likely benign. Last evaluated: 2026-09-01. Review status: criteria provided, single submitter. Criteria: CeGaT Center For Human Genetics Tuebingen Variant Classification Criteria Version 2. Collection method: clinical testing. Allele origin: germline. Affected: yes. Observed: 2 variant alleles.
Comment: TRMU: BP4, BP7

Blueprint Genetics
Classification: Likely benign. Last evaluated: 2024-09-25. Review status: criteria provided, single submitter. Criteria: ACMG Guidelines, 2015. Collection method: clinical testing. Allele origin: germline.

Labcorp Genetics (formerly Invitae), Labcorp
Classification: Likely benign. Last evaluated: 2024-02-10. Review status: criteria provided, single submitter. Criteria: Invitae Variant Classification Sherloc (09022015). Collection method: clinical testing. Allele origin: germline.

GeneDx
Classification: Likely benign. Last evaluated: 2021-01-12. Review status: criteria provided, single submitter. Criteria: GeneDx Variant Classification Process June 2021. Collection method: clinical testing. Allele origin: germline. Affected: yes.

Eurofins Ntd Llc (ga)
Classification: Uncertain significance. Last evaluated: 2018-05-24. Review status: criteria provided, single submitter. Criteria: EGL ClinVar v180209 classification definitions. Collection method: clinical testing. Allele origin: germline. Observed: 1 variant allele, 1 heterozygote.

Illumina Laboratory Services, Illumina
Classification: Uncertain significance for Acute infantile liver failure due to synthesis defect of mtDNA-encoded proteins. Last evaluated: 2018-01-12. Review status: criteria provided, single submitter. Criteria: ICSL Variant Classification Criteria 13 December 2019. Collection method: clinical testing. Allele origin: germline.

Natera, Inc.
Classification: Likely benign for Acute infantile liver failure due to synthesis defect of mtDNA-encoded proteins. Last evaluated: 2020-04-28. Review status: no assertion criteria provided. Collection method: clinical testing. Allele origin: germline. Not counted in ClinVar's aggregate classification.